The following is an entry in ClinVar:

NM_000428.3(LTBP2):c.3949G>A (p.Gly1317Ser)

Gene: LTBP2 (latent transforming growth factor beta binding protein 2; minus strand). Cytogenetic location: 14q24.3.
Variant type: single nucleotide variant.
Coding change: c.3949G>A on transcript NM_000428.3 (MANE Select); coding-DNA position 3949, G replaced by A.
Protein change: p.Gly1317Ser; replaces glycine 1317 with serine.
Molecular consequence: missense variant.
Genome position (GRCh38, 1-based): chr14:74,506,782, C>T on the plus strand (G>A on the coding strand, the complement: LTBP2 is on the minus strand). VCF-style: chr14-74506782-C-T. GRCh37 (hg19) VCF-style: chr14-74973485-C-T.
Other names: short protein forms G1317S.
Identifiers: ClinVar variation 1435523 (VCV001435523.5), dbSNP rs577826942, ClinGen allele CA7268932.

ClinVar aggregate classification (germline): Uncertain significance (1 of 4 stars; one submission).

Allele frequency attached by ClinVar (database versions not stated): gnomAD exomes 0.00001 and 0.00002; TOPMed 0.00002; ExAC 0.00003; gnomAD 0.00003; 1000 Genomes Project 30x 0.00016; 1000 Genomes Project 0.00020.
gnomAD v4.1: 19 of 1,614,030 alleles (0.0012%); highest among the groups gnomAD compares: African/African-American, 0.0053%; no homozygotes.

Submission:

Labcorp Genetics (formerly Invitae), Labcorp
Classification: Uncertain significance. Last evaluated: 2022-11-22. Review status: criteria provided, single submitter. Criteria: Invitae Variant Classification Sherloc (09022015). Collection method: clinical testing. Allele origin: germline.
Comment: In summary, the available evidence is currently insufficient to determine the role of this variant in disease. Therefore, it has been classified as a Variant of Uncertain Significance. Algorithms developed to predict the effect of missense changes on protein structure and function are either unavailable or do not agree on the potential impact of this missense change (SIFT: "Deleterious"; PolyPhen-2: "Probably Damaging"; Align-GVGD: "Class C0"). ClinVar contains an entry for this variant (Variation ID: 1435523). This variant has not been reported in the literature in individuals affected with LTBP2-related conditions. This variant is present in population databases (rs577826942, gnomAD 0.02%). This sequence change replaces glycine, which is neutral and non-polar, with serine, which is neutral and polar, at codon 1317 of the LTBP2 protein (p.Gly1317Ser).